The following is an entry in ClinVar:

ClinVar aggregate classification (germline): Uncertain significance. Review status: criteria provided, multiple submitters, no conflicts (2 of 4 stars). 2 submissions from 2 submitters: Uncertain significance (2). Last evaluated 2023-04-17.

Conditions:
Alpha thalassemia-X-linked intellectual disability syndrome (ATRX). Also called: ALPHA-THALASSEMIA/IMPAIRED INTELLECTUAL DEVELOPMENT SYNDROME, X-LINKED; ALPHA-THALASSEMIA/MENTAL RETARDATION SYNDROME, X-LINKED; ATR, NONDELETION TYPE; X-linked alpha-thalassemia-mental retardation syndrome; ATR-X syndrome; Alpha thalassemia mental retardation syndrome, nondeletion type, X-linked. Identifiers: Orphanet 847, MedGen C1845055, MONDO:0010519, OMIM 301040.

Allele frequency attached by ClinVar (database versions not stated): gnomAD exomes below 0.00001; TOPMed below 0.00001.
gnomAD v4.1: 3 of 1,208,354 alleles (0.00025%); highest among the groups gnomAD compares: Non-Finnish European, 0.00034%; no homozygotes.

Submissions (2):

Blueprint Genetics
Classification: Uncertain significance. Last evaluated: 2023-04-17. Review status: criteria provided, single submitter. Criteria: ACMG Guidelines, 2015. Collection method: clinical testing. Allele origin: germline.

Labcorp Genetics (formerly Invitae), Labcorp
Classification: Uncertain significance for ATR-X syndrome. Last evaluated: 2018-11-18. Review status: criteria provided, single submitter. Criteria: Invitae Variant Classification Sherloc (09022015). Collection method: clinical testing. Allele origin: germline.
Comment: This sequence change replaces threonine with alanine at codon 387 of the ATRX protein (p.Thr387Ala). The threonine residue is weakly conserved and there is a small physicochemical difference between threonine and alanine. This variant is not present in population databases (ExAC no frequency). This variant has not been reported in the literature in individuals with ATRX-related disease. Algorithms developed to predict the effect of missense changes on protein structure and function (SIFT, PolyPhen-2, Align-GVGD) all suggest that this variant is likely to be tolerated, but these predictions have not been confirmed by published functional studies and their clinical significance is uncertain. In summary, the available evidence is currently insufficient to determine the role of this variant in disease. Therefore, it has been classified as a Variant of Uncertain Significance.

NM_000489.6(ATRX):c.1159A>G (p.Thr387Ala)

Gene: ATRX (ATRX chromatin remodeler; minus strand). Cytogenetic location: Xq21.1.
Variant type: single nucleotide variant.
Coding change: c.1159A>G on transcript NM_000489.6 (MANE Select); coding-DNA position 1159, A replaced by G.
Protein change: p.Thr387Ala; replaces threonine 387 with alanine.
Molecular consequence: missense variant.
Genome position (GRCh38, 1-based): chrX:77,684,097, T>C on the plus strand (A>G on the coding strand, the complement: ATRX is on the minus strand). VCF-style: chrX-77684097-T-C. GRCh37 (hg19) VCF-style: chrX-76939589-T-C.
Other names: c.1045A>G, p.Thr349Ala (NM_138270.5); short protein forms T349A, T387A.
Identifiers: ClinVar variation 663215 (VCV000663215.2), dbSNP rs1603225916, ClinGen allele CA413719265.